The following is an entry in ClinVar:

ClinVar aggregate classification (germline): Pathogenic (1 of 4 stars; one submission).

Conditions:
Junctional epidermolysis bullosa, non-Herlitz type. Also called: Epidermolysis bullosa, junctional, non-herlitz type, somatic mosaic revertant; EPIDERMOLYSIS BULLOSA JUNCTIONALIS, DISENTIS TYPE; EPIDERMOLYSIS BULLOSA JUNCTIONALIS, NON-HERLITZ TYPE; EPIDERMOLYSIS BULLOSA JUNCTIONALIS, PROGRESSIVE; EPIDERMOLYSIS BULLOSA JUNCTIONALIS, SEVERE NONLETHAL; EPIDERMOLYSIS BULLOSA, JUNCTIONAL 1A, INTERMEDIATE. Identifiers: Orphanet 251393, Orphanet 79402, Orphanet 79405, Orphanet 89840, MedGen C0268374, MONDO:0009180, OMIM 226650.

Submission:

3billion
Classification: Pathogenic for Junctional epidermolysis bullosa, non-Herlitz type. Last evaluated: 2022-05-22. Review status: criteria provided, single submitter. Criteria: ACMG Guidelines, 2015. Collection method: clinical testing. Allele origin: germline. Affected: yes. Observed: 1 homozygote.
Comment: The substitution creates a nonsense variant, which is expected to cause a loss of normal protein function via nonsense-mediated mRNA decay. This variant has been reported as pathogenic (PMID:27375110). It is absent from the gnomAD v2.1.1 dataset. Therefore, this variant is classified as pathogenic according to the recommendation of ACMG/AMP guideline.

Literature cited by the submitters: PubMed 27375110.

NM_005562.3(LAMC2):c.1650C>A (p.Cys550Ter)

Gene: LAMC2 (laminin subunit gamma 2; plus strand). Cytogenetic location: 1q25.3.
Variant type: single nucleotide variant.
Coding change: c.1650C>A on transcript NM_005562.3 (MANE Select); coding-DNA position 1650, C replaced by A.
Protein change: p.Cys550Ter; replaces cysteine 550 with a stop codon.
Molecular consequence: nonsense.
Genome position (GRCh38, 1-based): chr1:183,228,555, C>A. VCF-style: chr1-183228555-C-A. GRCh37 (hg19) VCF-style: chr1-183197690-C-A.
Other names: c.1650C>A, p.Cys550Ter (NM_018891.3); short protein forms C550*.
Identifiers: ClinVar variation 1687260 (VCV001687260.1), dbSNP rs200783718, ClinGen allele CA343689340.